The following is an entry in ClinVar:

ClinVar aggregate classification (germline): Benign/Likely benign. Review status: criteria provided, multiple submitters, no conflicts (2 of 4 stars). 4 submissions from 4 submitters: Benign (1); Likely benign (3). Last evaluated 2025-01-10.

Conditions:
Hereditary cancer-predisposing syndrome. Also called: Hereditary neoplastic syndrome; Tumor predisposition; Hereditary Cancer Syndrome; Neoplastic Syndromes, Hereditary. Identifiers: Orphanet 140162, MedGen C0027672, MeSH D009386, MONDO:0015356.
Familial cancer of breast. Also called: Hereditary breast cancer; hereditary breast carcinoma; BREAST CANCER, FAMILIAL. Identifiers: Orphanet 227535, MedGen C0346153, MONDO:0016419, OMIM 114480. Disease mechanism: loss of function.

Allele frequency attached by ClinVar (database versions not stated): gnomAD exomes below 0.00001.
gnomAD v4.1: 1 of 1,614,168 alleles (0.000062%); highest among the groups gnomAD compares: East Asian, 0.0022%; no homozygotes.

Submissions (4):

Myriad Genetics, Inc.
Classification: Benign for Familial cancer of breast. Last evaluated: 2025-01-10. Review status: criteria provided, single submitter. Criteria: Myriad Autosomal Dominant, Autosomal Recessive and X-Linked Classification Criteria (2023). Collection method: clinical testing. Allele origin: unknown.
Comment: This variant is considered benign. This variant is a silent/synonymous amino acid change and it is not expected to impact splicing.

Labcorp Genetics (formerly Invitae), Labcorp
Classification: Likely benign for Familial cancer of breast. Last evaluated: 2023-06-05. Review status: criteria provided, single submitter. Criteria: Invitae Variant Classification Sherloc (09022015). Collection method: clinical testing. Allele origin: germline.

Ambry Genetics
Classification: Likely benign for Hereditary cancer-predisposing syndrome. Last evaluated: 2021-01-04. Review status: criteria provided, single submitter. Criteria: Ambry Variant Classification Scheme 2023. Collection method: clinical testing. Allele origin: germline.

Color Diagnostics, LLC DBA Color Health
Classification: Likely benign for Hereditary cancer-predisposing syndrome. Last evaluated: 2017-06-24. Review status: criteria provided, single submitter. Criteria: ACMG Guidelines, 2015. Collection method: clinical testing. Allele origin: germline.

NM_024675.4(PALB2):c.594C>T (p.His198=)

Gene: PALB2 (partner and localizer of BRCA2; minus strand). Cytogenetic location: 16p12.2.
Variant type: single nucleotide variant.
Coding change: c.594C>T on transcript NM_024675.4 (MANE Select); coding-DNA position 594, C replaced by T.
Protein change: p.His198=; no amino-acid change (histidine 198 retained).
Molecular consequence: synonymous variant.
Genome position (GRCh38, 1-based): chr16:23,635,952, G>A on the plus strand (C>T on the coding strand, the complement: PALB2 is on the minus strand). VCF-style: chr16-23635952-G-A. GRCh37 (hg19) VCF-style: chr16-23647273-G-A.
Identifiers: ClinVar variation 492227 (VCV000492227.15), dbSNP rs1555461716, ClinGen allele CA494462102.
Genomic context (GRCh38, chr16:23,635,952, plus strand): 5'-TTCATTAATTTCTGTAACTGGTTCTGGAGAATCTGGAAGTTCAGATTTAAGACTTAAAAG[G>A]TGAGTTCTTATTTCAGTTACTGGTGATCTAGCAGGATTTTTGCTACTGATTTCTTCCTGT-3'
Protein context (NP_078951.2, residues 188-208): ARSPVTEIRT[His198=]LLSLKSELPD